The following is an entry in ClinVar:

ClinVar aggregate classification (germline): Uncertain significance (1 of 4 stars; one submission).

Conditions:
Familial cancer of breast. Also called: BREAST CANCER, FAMILIAL; hereditary breast carcinoma; Hereditary breast cancer. Identifiers: Orphanet 227535, MedGen C0346153, MONDO:0016419, OMIM 114480. Disease mechanism: loss of function.

Submission:

Labcorp Genetics (formerly Invitae), Labcorp
Classification: Uncertain significance for Familial cancer of breast. Last evaluated: 2023-12-05. Review status: criteria provided, single submitter. Criteria: Invitae Variant Classification Sherloc (09022015). Collection method: clinical testing. Allele origin: germline.
Comment: This sequence change replaces aspartic acid, which is acidic and polar, with glutamic acid, which is acidic and polar, at codon 458 of the BARD1 protein (p.Asp458Glu). This variant is not present in population databases (gnomAD no frequency). This variant has not been reported in the literature in individuals affected with BARD1-related conditions. ClinVar contains an entry for this variant (Variation ID: 1721236). An algorithm developed to predict the effect of missense changes on protein structure and function (PolyPhen-2) suggests that this variant is likely to be disruptive. In summary, the available evidence is currently insufficient to determine the role of this variant in disease. Therefore, it has been classified as a Variant of Uncertain Significance.

NM_000465.4(BARD1):c.1374C>G (p.Asp458Glu)

Gene: BARD1 (BRCA1 associated RING domain 1; minus strand). Cytogenetic location: 2q35.
Variant type: single nucleotide variant.
Coding change: c.1374C>G on transcript NM_000465.4 (MANE Select); coding-DNA position 1374, C replaced by G.
Protein change: p.Asp458Glu; replaces aspartic acid 458 with glutamic acid.
Molecular consequence: missense variant. On other transcripts: non-coding transcript variant (3), intron variant (3).
Genome position (GRCh38, 1-based): chr2:214,769,253, G>C on the plus strand (C>G on the coding strand, the complement: BARD1 is on the minus strand). VCF-style: chr2-214769253-G-C. GRCh37 (hg19) VCF-style: chr2-215633977-G-C.
Other names: c.1317C>G, p.Asp439Glu (NM_001282543.2); c.159-16698C>G (NM_001282548.2); c.216-16698C>G (NM_001282545.2); c.364+23044C>G (NM_001282549.2); short protein forms D439E, D458E.
Identifiers: ClinVar variation 1721236 (VCV001721236.5), dbSNP rs1553619701, ClinGen allele CA350450195.